The following is an entry in ClinVar:

ClinVar aggregate classification (germline): Uncertain significance (1 of 4 stars; one submission).

Submission:

Labcorp Genetics (formerly Invitae), Labcorp
Classification: Uncertain significance. Last evaluated: 2021-12-06. Review status: criteria provided, single submitter. Criteria: Invitae Variant Classification Sherloc (09022015). Collection method: clinical testing. Allele origin: germline.
Comment: Algorithms developed to predict the effect of missense changes on protein structure and function are either unavailable or do not agree on the potential impact of this missense change (SIFT: "Not Available"; PolyPhen-2: "Probably Damaging"; Align-GVGD: "Not Available"). In summary, the available evidence is currently insufficient to determine the role of this variant in disease. Therefore, it has been classified as a Variant of Uncertain Significance. This variant has not been reported in the literature in individuals affected with LCT-related conditions. This variant is not present in population databases (gnomAD no frequency). This sequence change replaces asparagine, which is neutral and polar, with serine, which is neutral and polar, at codon 602 of the LCT protein (p.Asn602Ser).

NM_002299.4(LCT):c.1805A>G (p.Asn602Ser)

Gene: LCT (lactase; minus strand). Cytogenetic location: 2q21.3.
Variant type: single nucleotide variant.
Coding change: c.1805A>G on transcript NM_002299.4 (MANE Select); coding-DNA position 1805, A replaced by G.
Protein change: p.Asn602Ser; replaces asparagine 602 with serine.
Molecular consequence: missense variant.
Genome position (GRCh38, 1-based): chr2:135,812,859, T>C on the plus strand (A>G on the coding strand, the complement: LCT is on the minus strand). VCF-style: chr2-135812859-T-C. GRCh37 (hg19) VCF-style: chr2-136570429-T-C.
Other names: short protein forms N602S.
Identifiers: ClinVar variation 1449211 (VCV001449211.6), dbSNP rs2105538207, ClinGen allele CA348605336.